The following is an entry in ClinVar:

NM_000390.4(CHM):c.1327A>G (p.Met443Val)

Gene: CHM (CHM Rab escort protein; minus strand). Cytogenetic location: Xq21.2.
Variant type: single nucleotide variant.
Coding change: c.1327A>G on transcript NM_000390.4 (MANE Select); coding-DNA position 1327, A replaced by G.
Protein change: p.Met443Val; replaces methionine 443 with valine.
Molecular consequence: missense variant.
Genome position (GRCh38, 1-based): chrX:85,901,106, T>C on the plus strand (A>G on the coding strand, the complement: CHM is on the minus strand). VCF-style: chrX-85901106-T-C. GRCh37 (hg19) VCF-style: chrX-85156111-T-C.
Other names: c.883A>G, p.Met295Val (NM_001320959.1, NM_001362517.1, NM_001362518.2 and 1 more transcripts); short protein forms M295V, M443V.
Identifiers: ClinVar variation 2138623 (VCV002138623.5), dbSNP rs1189963034, ClinGen allele CA413789619.

ClinVar aggregate classification (germline): Uncertain significance. Review status: criteria provided, multiple submitters, no conflicts (2 of 4 stars). 2 submissions from 2 submitters: Uncertain significance (2). Last evaluated 2026-02-20.

Allele frequency attached by ClinVar (database versions not stated): gnomAD exomes below 0.00001; gnomAD 0.00001; TOPMed 0.00002.
gnomAD v4.1: 2 of 1,201,665 alleles (0.00017%); highest among the groups gnomAD compares: African/African-American, 0.0018%; no homozygotes.

Submissions (2):

Women's Health and Genetics/Laboratory Corporation of America, LabCorp
Classification: Uncertain significance. Last evaluated: 2026-02-20. Review status: criteria provided, single submitter. Criteria: LabCorp Variant Classification Summary - May 2015. Collection method: clinical testing. Allele origin: germline.
Comment: Variant summary: CHM c.1327A>G (p.Met443Val) results in a conservative amino acid change in the encoded protein sequence. Algorithms developed to predict the effect of missense changes on protein structure and function all suggest that this variant is likely to be tolerated. The variant allele was found at a frequency of 5.7e-06 in 175474 control chromosomes. The available data on variant occurrences in the general population are insufficient to allow any conclusion about variant significance. c.1327A>G has been observed in an individual affected with Choroideremia (Freund_2016). These data do not allow any conclusion about variant significance. To our knowledge, no experimental evidence demonstrating an impact on protein function has been reported. The following publication has been ascertained in the context of this evaluation (PMID: 27247961). ClinVar contains an entry for this variant (Variation ID: 2138623). Based on the evidence outlined above, the variant was classified as uncertain significance.

Labcorp Genetics (formerly Invitae), Labcorp
Classification: Uncertain significance. Last evaluated: 2022-08-02. Review status: criteria provided, single submitter. Criteria: Invitae Variant Classification Sherloc (09022015). Collection method: clinical testing. Allele origin: germline.
Comment: This sequence change replaces methionine, which is neutral and non-polar, with valine, which is neutral and non-polar, at codon 443 of the CHM protein (p.Met443Val). The frequency data for this variant in the population databases is considered unreliable, as metrics indicate poor data quality at this position in the gnomAD database. This missense change has been observed in individual(s) with choroideremia (PMID: 27247961). Algorithms developed to predict the effect of missense changes on protein structure and function (SIFT, PolyPhen-2, Align-GVGD) all suggest that this variant is likely to be tolerated. In summary, the available evidence is currently insufficient to determine the role of this variant in disease. Therefore, it has been classified as a Variant of Uncertain Significance.

Literature cited by the submitters: PubMed 27247961 (cited by Women's Health and Genetics/Laboratory Corporation of America, LabCorp and Labcorp Genetics (formerly Invitae), Labcorp).